The following is an entry in ClinVar:

NM_001395656.1(ROBO2):c.1736T>A (p.Val579Glu)

Gene: ROBO2 (roundabout guidance receptor 2; plus strand). Cytogenetic location: 3p12.3.
Variant type: single nucleotide variant.
Coding change: c.1736T>A on transcript NM_001395656.1 (MANE Select); coding-DNA position 1736, T replaced by A.
Protein change: p.Val579Glu; replaces valine 579 with glutamic acid.
Molecular consequence: missense variant. On other transcripts: 5 prime UTR variant (1).
Genome position (GRCh38, 1-based): chr3:77,564,995, T>A. VCF-style: chr3-77564995-T-A. GRCh37 (hg19) VCF-style: chr3-77614146-T-A.
Other names: c.1772T>A, p.Val591Glu (NM_001128929.3); c.1736T>A, p.Val579Glu (NM_001290039.2, NM_001290040.2, NM_001378202.1); c.-56T>A (NM_001290065.2); c.1784T>A, p.Val595Glu (NM_001378190.1, NM_001378191.1, NM_001378195.1 and 4 more transcripts); c.1805T>A, p.Val602Glu (NM_001378192.1, NM_001378194.1, NM_001378198.1 and 2 more transcripts); c.1724T>A, p.Val575Glu (NM_001378193.1, NM_001378197.1, NM_002942.5); c.1793T>A, p.Val598Glu (NM_001394212.1, NM_001394214.1, NM_001395657.1); short protein forms V575E, V579E, V591E, V595E, V598E, V602E.
Identifiers: ClinVar variation 3257517 (VCV003257517.17).

ClinVar aggregate classification (germline): Uncertain significance (1 of 4 stars; one submission).

Submission:

CeGaT Center for Human Genetics Tuebingen
Classification: Uncertain significance. Last evaluated: 2024-07-01. Review status: criteria provided, single submitter. Criteria: CeGaT Center For Human Genetics Tuebingen Variant Classification Criteria Version 2. Collection method: clinical testing. Allele origin: germline. Affected: yes. Observed: 1 variant allele.
Comment: ROBO2: PM2